The following is an entry in ClinVar:

ClinVar aggregate classification (germline): Uncertain significance (1 of 4 stars; one submission).

Conditions:
Brugada syndrome. Also called: Sudden unexplained nocturnal death syndrome; Sudden unexpected nocturnal death syndrome; Sudden Unexplained Death Syndrome; Sudden Unexplained Nocturnal Death Syndrome (SUNDS). Identifiers: Orphanet 130, MedGen C1142166, MONDO:0015263.

gnomAD v4.1: 20 of 1,614,076 alleles (0.0012%); highest among the groups gnomAD compares: Non-Finnish European, 0.0017%; no homozygotes.

Submission:

Labcorp Genetics (formerly Invitae), Labcorp
Classification: Uncertain significance for Brugada syndrome. Last evaluated: 2025-11-26. Review status: criteria provided, single submitter. Criteria: Invitae Variant Classification Sherloc (09022015). Collection method: clinical testing. Allele origin: germline.
Comment: This sequence change replaces lysine, which is basic and polar, with glutamic acid, which is acidic and polar, at codon 1247 of the SCN10A protein (p.Lys1247Glu). This variant is present in population databases (rs754365087, gnomAD 0.002%). This variant has not been reported in the literature in individuals affected with SCN10A-related conditions. Invitae Evidence Modeling of protein sequence and biophysical properties (such as structural, functional, and spatial information, amino acid conservation, physicochemical variation, residue mobility, and thermodynamic stability) indicates that this missense variant is expected to disrupt SCN10A protein function with a positive predictive value of 80%. In summary, the available evidence is currently insufficient to determine the role of this variant in disease. Therefore, it has been classified as a Variant of Uncertain Significance.

NM_006514.4(SCN10A):c.3739A>G (p.Lys1247Glu)

Gene: SCN10A (sodium voltage-gated channel alpha subunit 10; minus strand). Cytogenetic location: 3p22.2.
Variant type: single nucleotide variant.
Coding change: c.3739A>G on transcript NM_006514.4 (MANE Select); coding-DNA position 3739, A replaced by G.
Protein change: p.Lys1247Glu; replaces lysine 1247 with glutamic acid.
Molecular consequence: missense variant.
Genome position (GRCh38, 1-based): chr3:38,714,023, T>C on the plus strand (A>G on the coding strand, the complement: SCN10A is on the minus strand). VCF-style: chr3-38714023-T-C. GRCh37 (hg19) VCF-style: chr3-38755514-T-C.
Other names: c.3736A>G, p.Lys1246Glu (NM_001293306.2); c.3445A>G, p.Lys1149Glu (NM_001293307.2); short protein forms K1149E, K1247E, K1246E.
Identifiers: ClinVar variation 4763471 (VCV004763471.1).
Genomic context (GRCh38, chr3:38,714,023, plus strand): 5'-TGCCTTCAAATCGAGAAAGAGCCCGCAGTGGCCGCAGAGCGCGAAGGGTTCGAAGGGCTT[T>C]GATGGGAGCCACTTCAGAATATTCCAGAATCTTCGCTGTGAGACTTATCAGTGAGATCTG-3'
Protein context (NP_006505.4, residues 1237-1257): ILEYSEVAPI[Lys1247Glu]ALRTLRALRP